The following is an entry in ClinVar:

NM_001267550.2(TTN):c.97242T>C (p.Ala32414=)

Genes: TTN (titin; minus strand), TTN-AS1 (TTN antisense RNA 1; plus strand). Cytogenetic location: 2q31.2.
Variant type: single nucleotide variant.
Coding change: c.97242T>C on transcript NM_001267550.2 (MANE Select); coding-DNA position 97242, T replaced by C.
Protein change: p.Ala32414=; no amino-acid change (alanine 32414 retained).
Molecular consequence: synonymous variant.
Genome position (GRCh38, 1-based): chr2:178,542,514, A>G on the plus strand (T>C on the coding strand, the complement: TTN is on the minus strand). VCF-style: chr2-178542514-A-G. GRCh37 (hg19) VCF-style: chr2-179407241-A-G.
Other names: c.92319T>C, p.Ala30773= (NM_001256850.1); c.70047T>C, p.Ala23349= (NM_003319.4); c.89538T>C, p.Ala29846= (NM_133378.4); c.70422T>C, p.Ala23474= (NM_133432.3); c.70623T>C, p.Ala23541= (NM_133437.4).
Identifiers: ClinVar variation 388493 (VCV000388493.12), dbSNP rs776580922, ClinGen allele CA1986588.

ClinVar aggregate classification (germline): Likely benign. Review status: criteria provided, multiple submitters, no conflicts (2 of 4 stars). 3 submissions from 3 submitters: Likely benign (3). Last evaluated 2025-12-21.

Conditions:
Dilated cardiomyopathy 1G (CMD1G). Identifiers: Orphanet 154, MedGen C1858763, MONDO:0011400, OMIM 604145.
Autosomal recessive limb-girdle muscular dystrophy type 2J (LGMDR10). Also called: MUSCULAR DYSTROPHY, LIMB-GIRDLE, AUTOSOMAL RECESSIVE 10; Limb-girdle muscular dystrophy, type 2J. Identifiers: Orphanet 140922, MedGen C1837342, MONDO:0012127, OMIM 608807.
Cardiovascular phenotype. Identifiers: MedGen CN230736.

Allele frequency attached by ClinVar (database versions not stated): ExAC 0.00001; gnomAD 0.00002; gnomAD exomes 0.00002.
gnomAD v4.1: 11 of 1,611,460 alleles (0.00068%); highest among the groups gnomAD compares: African/African-American, 0.004%; no homozygotes.

Submissions (3):

Labcorp Genetics (formerly Invitae), Labcorp
Classification: Likely benign for Dilated cardiomyopathy 1G; Autosomal recessive limb-girdle muscular dystrophy type 2J. Last evaluated: 2025-12-21. Review status: criteria provided, single submitter. Criteria: Invitae Variant Classification Sherloc (09022015). Collection method: clinical testing. Allele origin: germline.

Ambry Genetics
Classification: Likely benign for Cardiovascular phenotype. Last evaluated: 2020-10-22. Review status: criteria provided, single submitter. Criteria: Ambry Variant Classification Scheme 2023. Collection method: clinical testing. Allele origin: germline.

GeneDx
Classification: Likely benign. Last evaluated: 2016-08-10. Review status: criteria provided, single submitter. Criteria: GeneDx Variant Classification (06012015). Collection method: clinical testing. Allele origin: germline. Affected: yes.
Comment: This variant is considered likely benign or benign based on one or more of the following criteria: it is a conservative change, it occurs at a poorly conserved position in the protein, it is predicted to be benign by multiple in silico algorithms, and/or has population frequency not consistent with disease.